The following is an entry in ClinVar:

ClinVar aggregate classification (germline): Uncertain significance. Review status: criteria provided, multiple submitters, no conflicts (2 of 4 stars). 3 submissions from 3 submitters: Uncertain significance (3). Last evaluated 2024-04-29.

Conditions:
Familial cancer of breast. Also called: BREAST CANCER, FAMILIAL; Hereditary breast cancer; hereditary breast carcinoma. Identifiers: Orphanet 227535, MedGen C0346153, MONDO:0016419, OMIM 114480. Disease mechanism: loss of function.
Hereditary cancer-predisposing syndrome. Also called: Hereditary neoplastic syndrome; Neoplastic Syndromes, Hereditary; Tumor predisposition; Hereditary Cancer Syndrome. Identifiers: Orphanet 140162, MedGen C0027672, MeSH D009386, MONDO:0015356.
Hereditary diffuse gastric adenocarcinoma (HDGC). Also called: DIFFUSE GASTRIC AND LOBULAR BREAST CANCER SYNDROME. Identifiers: Orphanet 26106, MedGen C1708349, MONDO:0007648, OMIM 137215.

Submissions (3):

Labcorp Genetics (formerly Invitae), Labcorp
Classification: Uncertain significance for Hereditary diffuse gastric adenocarcinoma. Last evaluated: 2024-04-29. Review status: criteria provided, single submitter. Criteria: Invitae Variant Classification Sherloc (09022015). Collection method: clinical testing. Allele origin: germline.
Comment: This sequence change replaces asparagine, which is neutral and polar, with serine, which is neutral and polar, at codon 369 of the CDH1 protein (p.Asn369Ser). This variant is not present in population databases (gnomAD no frequency). This variant has not been reported in the literature in individuals affected with CDH1-related conditions. ClinVar contains an entry for this variant (Variation ID: 1044133). An algorithm developed to predict the effect of missense changes on protein structure and function (PolyPhen-2) suggests that this variant is likely to be disruptive. In summary, the available evidence is currently insufficient to determine the role of this variant in disease. Therefore, it has been classified as a Variant of Uncertain Significance.

Baylor Genetics
Classification: Uncertain significance for Familial cancer of breast. Last evaluated: 2023-10-19. Review status: criteria provided, single submitter. Criteria: ACMG Guidelines, 2015. Collection method: clinical testing. Allele origin: unknown.

Ambry Genetics
Classification: Uncertain significance for Hereditary cancer-predisposing syndrome. Last evaluated: 2021-12-10. Review status: criteria provided, single submitter. Criteria: Ambry Variant Classification Scheme 2023. Collection method: clinical testing. Allele origin: germline.
Comment: The p.N369S variant (also known as c.1106A>G), located in coding exon 8 of the CDH1 gene, results from an A to G substitution at nucleotide position 1106. The asparagine at codon 369 is replaced by serine, an amino acid with highly similar properties. This amino acid position is highly conserved in available vertebrate species. In addition, the in silico prediction for this alteration is inconclusive. Since supporting evidence is limited at this time, the clinical significance of this alteration remains unclear.

NM_004360.5(CDH1):c.1106A>G (p.Asn369Ser)

Gene: CDH1 (cadherin 1; plus strand). Cytogenetic location: 16q22.1.
Variant type: single nucleotide variant.
Coding change: c.1106A>G on transcript NM_004360.5 (MANE Select); coding-DNA position 1106, A replaced by G.
Protein change: p.Asn369Ser; replaces asparagine 369 with serine.
Molecular consequence: missense variant. On other transcripts: 5 prime UTR variant (2).
Genome position (GRCh38, 1-based): chr16:68,812,232, A>G. VCF-style: chr16-68812232-A-G. GRCh37 (hg19) VCF-style: chr16-68846135-A-G.
Other names: c.1106A>G, p.Asn369Ser (NM_001317184.2); c.-510A>G (NM_001317185.2); c.-714A>G (NM_001317186.2); short protein forms N369S.
Identifiers: ClinVar variation 1044133 (VCV001044133.8), dbSNP rs1960858920, ClinGen allele CA396460151.
Genomic context (GRCh38, chr16:68,812,232, plus strand): 5'-ACCTTCAAGGTGAGGGGTTAAGCACAACAGCAACAGCTGTGATCACAGTCACTGACACCA[A>G]CGATAATCCTCCGATCTTCAATCCCACCACGGTAATTCTATAACTCCTTAGAGGGTTTCC-3'
Protein context (NP_004351.1, residues 359-379): ATAVITVTDT[Asn369Ser]DNPPIFNPTT